The following is an entry in ClinVar:

ClinVar aggregate classification (germline): Likely pathogenic (1 of 4 stars; one submission).

Conditions:
Bifunctional peroxisomal enzyme deficiency (DBIF). Also called: DBP DEFICIENCY; PBFE DEFICIENCY; D-bifunctional protein deficiency. Identifiers: Orphanet 300, MedGen C0342870, MONDO:0009855, OMIM 261515. Disease mechanism: loss of function.
Perrault syndrome. Also called: Gonadal dysgenesis with auditory dysfunction, autosomal recessive inheritance. Identifiers: Orphanet 2855, MedGen C0685838, MONDO:0017312.

Submission:

Labcorp Genetics (formerly Invitae), Labcorp
Classification: Likely pathogenic for Perrault syndrome; Bifunctional peroxisomal enzyme deficiency. Last evaluated: 2019-02-13. Review status: criteria provided, single submitter. Criteria: Invitae Variant Classification Sherloc (09022015). Collection method: clinical testing. Allele origin: germline.
Comment: In summary, the currently available evidence indicates that the variant is pathogenic, but additional data are needed to prove that conclusively. Therefore, this variant has been classified as Likely Pathogenic. This variant disrupts the p.Gly16 amino acid residue in HSD17B4. Other variant(s) that disrupt this residue have been observed in individuals with HSD17B4-related conditions (PMID: 9482850, 25967389, 27290639, 26970254, 16385454, 9915948), suggesting that it is a clinically significant residue. As a result, variants that disrupt this residue are likely to be causative of disease. This variant has not been reported in the literature in individuals with HSD17B4-related conditions. This variant is not present in population databases (ExAC no frequency). This sequence change affects the initiator methionine of the HSD17B4 mRNA. The next in-frame methionine is located at codon p.148.

Literature cited by the submitters: PubMed 9482850; PubMed 25967389; PubMed 27290639; PubMed 26970254; PubMed 16385454; PubMed 9915948.

NM_000414.4(HSD17B4):c.1A>C (p.Met1Leu)

Gene: HSD17B4 (hydroxysteroid 17-beta dehydrogenase 4; plus strand). Cytogenetic location: 5q23.1.
Variant type: single nucleotide variant.
Coding change: c.1A>C on transcript NM_000414.4 (MANE Select); coding-DNA position 1, A replaced by C.
Protein change: p.Met1Leu; changes the start codon (methionine 1).
Molecular consequence: missense variant, initiator codon variant. On other transcripts: 5 prime UTR variant (8), non-coding transcript variant (2).
Genome position (GRCh38, 1-based): chr5:119,452,576, A>C. VCF-style: chr5-119452576-A-C. GRCh37 (hg19) VCF-style: chr5-118788271-A-C.
Other names: c.-178A>C (NM_001199291.3); c.1A>C, p.Met1Leu (NM_001199292.2, NM_001374497.1, NM_001374498.1); c.-137A>C (NM_001292027.2); c.-599A>C (NM_001292028.2, NM_001374501.1); c.-533A>C (NM_001374499.1); c.-726A>C (NM_001374500.1); c.-604A>C (NM_001374502.1); c.-669A>C (NM_001374503.1); short protein forms M1L.
Identifiers: ClinVar variation 859562 (VCV000859562.10), dbSNP rs1488399880, ClinGen allele CA360861558.
Genomic context (GRCh38, chr5:119,452,576, plus strand): 5'-CCCGCAGTCGGCGTCCAGCGGCTCTGCTTGTTCGTGTGTGTGTCGTTGCAGGCCTTATTC[A>C]TGGGCTCACCGCTGAGGTTCGACGGGCGGGTGGTACTGGTCACCGGCGCGGGGGCAGGTG-3'
Protein context (NP_000405.1, residues 1-11): [Met1Leu]GSPLRFDGRV